The following is an entry in ClinVar:

ClinVar aggregate classification (germline): Uncertain significance (1 of 4 stars; one submission).

Conditions:
Pilarowski-Bjornsson syndrome. Also called: DEVELOPMENTAL DELAY AND SPEECH APRAXIA WITH OR WITHOUT SEIZURES. Identifiers: Orphanet 529965, MedGen C4540131, MONDO:0060568, OMIM 617682.

Allele frequency attached by ClinVar (database versions not stated): gnomAD exomes below 0.00001; TOPMed below 0.00001.
gnomAD v4.1: 1 of 1,613,616 alleles (0.000062%); highest among the groups gnomAD compares: Non-Finnish European, 0.000085%; no homozygotes.

Submission:

Centre for Mendelian Genomics, University Medical Centre Ljubljana
Classification: Uncertain significance for Pilarowski-Bjornsson syndrome. Last evaluated: 2020-01-20. Review status: criteria provided, single submitter. Criteria: ACMG Guidelines, 2015. Collection method: clinical testing. Allele origin: unknown. Affected: yes.
Comment: This variant was classified as: Uncertain significance. The available evidence on this variant's pathogenicity is insufficient or conflicting. The following ACMG criteria were applied in classifying this variant: PM2.

NM_001270.4(CHD1):c.2848A>G (p.Thr950Ala)

Gene: CHD1 (chromodomain helicase DNA binding protein 1; minus strand). Cytogenetic location: 5q15.
Variant type: single nucleotide variant.
Coding change: c.2848A>G on transcript NM_001270.4 (MANE Select); coding-DNA position 2848, A replaced by G.
Protein change: p.Thr950Ala; replaces threonine 950 with alanine.
Molecular consequence: missense variant. On other transcripts: non-coding transcript variant (2).
Genome position (GRCh38, 1-based): chr5:98,881,994, T>C on the plus strand (A>G on the coding strand, the complement: CHD1 is on the minus strand). VCF-style: chr5-98881994-T-C. GRCh37 (hg19) VCF-style: chr5-98217698-T-C.
Other names: c.2848A>G, p.Thr950Ala (NM_001364113.3, NM_001376194.2); short protein forms T950A.
Identifiers: ClinVar variation 930735 (VCV000930735.3), dbSNP rs1750226720, ClinGen allele CA360510769.